The following is an entry in ClinVar:

NM_006270.5(RRAS):c.241+6G>C

Gene: RRAS (RAS related; minus strand). Cytogenetic location: 19q13.33.
Variant type: single nucleotide variant.
Coding change: c.241+6G>C on transcript NM_006270.5 (MANE Select); 6 bases into the intron after coding-DNA position 241, G replaced by C.
Molecular consequence: intron variant.
Genome position (GRCh38, 1-based): chr19:49,637,037, C>G on the plus strand (G>C on the coding strand, the complement: RRAS is on the minus strand). VCF-style: chr19-49637037-C-G. GRCh37 (hg19) VCF-style: chr19-50140294-C-G.
Identifiers: ClinVar variation 1383862 (VCV001383862.6), dbSNP rs925991568, ClinGen allele CA2573156595.

ClinVar aggregate classification (germline): Uncertain significance (1 of 4 stars; one submission).

Conditions:
Noonan syndrome (NS). Also called: Noonan's syndrome. Identifiers: Orphanet 648, MedGen C0028326, MeSH D009634, MONDO:0018997. Disease mechanism: gain of function.

Submission:

Labcorp Genetics (formerly Invitae), Labcorp
Classification: Uncertain significance for Noonan syndrome. Last evaluated: 2022-03-18. Review status: criteria provided, single submitter. Criteria: Invitae Variant Classification Sherloc (09022015). Collection method: clinical testing. Allele origin: germline.
Comment: In summary, the available evidence is currently insufficient to determine the role of this variant in disease. Therefore, it has been classified as a Variant of Uncertain Significance. Variants that disrupt the consensus splice site are a relatively common cause of aberrant splicing (PMID: 17576681, 9536098). Algorithms developed to predict the effect of sequence changes on RNA splicing suggest that this variant is not likely to affect RNA splicing. This variant has not been reported in the literature in individuals affected with RRAS-related conditions. This variant is not present in population databases (gnomAD no frequency). This sequence change falls in intron 2 of the RRAS gene. It does not directly change the encoded amino acid sequence of the RRAS protein. It affects a nucleotide within the consensus splice site.

Literature cited by the submitters: PubMed 17576681; PubMed 9536098.